The following is an entry in ClinVar:

NM_001372.4(DNAH9):c.1144C>A (p.Leu382Met)

Gene: DNAH9 (dynein axonemal heavy chain 9; plus strand). Cytogenetic location: 17p12.
Variant type: single nucleotide variant.
Coding change: c.1144C>A on transcript NM_001372.4 (MANE Select); coding-DNA position 1144, C replaced by A.
Protein change: p.Leu382Met; replaces leucine 382 with methionine.
Molecular consequence: missense variant.
Genome position (GRCh38, 1-based): chr17:11,619,575, C>A. VCF-style: chr17-11619575-C-A. GRCh37 (hg19) VCF-style: chr17-11522892-C-A.
Other names: short protein forms L382M.
Identifiers: ClinVar variation 5009097 (VCV005009097.1).

ClinVar aggregate classification (germline): Uncertain significance (1 of 4 stars; one submission).

Submission:

GeneDx
Classification: Uncertain significance. Last evaluated: 2026-03-12. Review status: criteria provided, single submitter. Criteria: GeneDx Variant Classification Process June 2021. Collection method: clinical testing. Allele origin: germline.
Comment: Not observed at significant frequency in large population cohorts (gnomAD); In silico analysis suggests that this missense variant does not alter protein structure/function; Has not been previously published as pathogenic or benign to our knowledge